The following is an entry in ClinVar:

NM_052867.4(NALCN):c.376-2A>G

Gene: NALCN (sodium leak channel, non-selective; minus strand). Cytogenetic location: 13q33.1.
Variant type: single nucleotide variant.
Coding change: c.376-2A>G on transcript NM_052867.4 (MANE Select); the canonical splice acceptor site of the intron before coding-DNA position 376, A replaced by G.
Molecular consequence: splice acceptor variant.
Genome position (GRCh38, 1-based): chr13:101,377,058, T>C on the plus strand (A>G on the coding strand, the complement: NALCN is on the minus strand). VCF-style: chr13-101377058-T-C. GRCh37 (hg19) VCF-style: chr13-102029409-T-C.
Other names: c.376-2A>G (NM_001350751.2, NM_001350749.2, NM_001350750.2 and 1 more transcripts).
Identifiers: ClinVar variation 2585528 (VCV002585528.1), dbSNP rs2548589416, ClinGen allele CA388705858.

ClinVar aggregate classification (germline): Likely pathogenic (1 of 4 stars; one submission).

Conditions:
Hypotonia, infantile, with psychomotor retardation and characteristic facies 1 (INNFD). Identifiers: Orphanet 371364, Orphanet 700336, MedGen C3809454, MONDO:0024567, OMIM 615419.

Submission:

Neuberg Centre For Genomic Medicine, NCGM
Classification: Likely pathogenic for Hypotonia, infantile, with psychomotor retardation and characteristic facies 1. Review status: criteria provided, single submitter. Criteria: ACMG Guidelines, 2015. Collection method: clinical testing. Allele origin: germline. Inheritance: Autosomal recessive inheritance. Affected: yes.
Comment: The invariant splice site c.376-2A>G variant has not been reported previously as a pathogenic variant nor as a benign variant, to our knowledge. The variant is novel (not in any individuals) in gnomAD Exomes and 1000 Genomes. The variant affects an invariant splice nucleotide and is expected to cause loss of function. For these reasons, this variant has been classified as Likely Pathogenic.